The following is an entry in ClinVar:

NM_004370.6(COL12A1):c.5569A>G (p.Thr1857Ala)

Gene: COL12A1 (collagen type XII alpha 1 chain; minus strand). Cytogenetic location: 6q13.
Variant type: single nucleotide variant.
Coding change: c.5569A>G on transcript NM_004370.6 (MANE Select); coding-DNA position 5569, A replaced by G.
Protein change: p.Thr1857Ala; replaces threonine 1857 with alanine.
Molecular consequence: missense variant.
Genome position (GRCh38, 1-based): chr6:75,133,953, T>C on the plus strand (A>G on the coding strand, the complement: COL12A1 is on the minus strand). VCF-style: chr6-75133953-T-C. GRCh37 (hg19) VCF-style: chr6-75843669-T-C.
Other names: c.2077A>G, p.Thr693Ala (NM_080645.3); short protein forms T1857A, T693A.
Identifiers: ClinVar variation 834379 (VCV000834379.14), dbSNP rs750426294, ClinGen allele CA3893085.

ClinVar aggregate classification (germline): Uncertain significance. Review status: criteria provided, multiple submitters, no conflicts (2 of 4 stars). 3 submissions from 3 submitters: Uncertain significance (3). Last evaluated 2025-12-01.

Conditions:
Inborn genetic diseases. Identifiers: MedGen C0950123, MeSH D030342.
Ullrich congenital muscular dystrophy 2 (UCMD2). Identifiers: Orphanet 75840, MedGen C4225314, MONDO:0014654, OMIM 616470.
Bethlem myopathy 2 (BTHLM2). Identifiers: Orphanet 536516, Orphanet 610, MedGen C4225313, MONDO:0034022, OMIM 616471.

Allele frequency attached by ClinVar (database versions not stated): ExAC 0.00001; gnomAD 0.00001; gnomAD exomes 0.00001 and 0.00002; TOPMed 0.00001.
gnomAD v4.1: 16 of 1,613,900 alleles (0.00099%); highest among the groups gnomAD compares: Non-Finnish European, 0.0014%; no homozygotes.

Submissions (3):

Labcorp Genetics (formerly Invitae), Labcorp
Classification: Uncertain significance for Bethlem myopathy 2; Ullrich congenital muscular dystrophy 2. Last evaluated: 2025-12-01. Review status: criteria provided, single submitter. Criteria: Invitae Variant Classification Sherloc (09022015). Collection method: clinical testing. Allele origin: germline.
Comment: This sequence change replaces threonine, which is neutral and polar, with alanine, which is neutral and non-polar, at codon 1857 of the COL12A1 protein (p.Thr1857Ala). This variant is present in population databases (rs750426294, gnomAD 0.004%). This variant has not been reported in the literature in individuals affected with COL12A1-related conditions. ClinVar contains an entry for this variant (Variation ID: 834379). Invitae Evidence Modeling of protein sequence and biophysical properties (such as structural, functional, and spatial information, amino acid conservation, physicochemical variation, residue mobility, and thermodynamic stability) has been performed for this missense variant. However, the output from this modeling did not meet the statistical confidence thresholds required to predict the impact of this variant on COL12A1 protein function. In summary, the available evidence is currently insufficient to determine the role of this variant in disease. Therefore, it has been classified as a Variant of Uncertain Significance.

Ambry Genetics
Classification: Uncertain significance for Inborn genetic diseases. Last evaluated: 2023-09-14. Review status: criteria provided, single submitter. Criteria: Ambry Variant Classification Scheme 2023. Collection method: clinical testing. Allele origin: germline.

Revvity Omics, Revvity
Classification: Uncertain significance. Last evaluated: 2021-08-06. Review status: criteria provided, single submitter. Criteria: ACMG Guidelines, 2015. Collection method: clinical testing. Allele origin: germline.